The following is an entry in ClinVar:

NM_002439.5(MSH3):c.1889A>C (p.His630Pro)

Gene: MSH3 (mutS homolog 3; plus strand). Cytogenetic location: 5q14.1.
Variant type: single nucleotide variant.
Coding change: c.1889A>C on transcript NM_002439.5 (MANE Select); coding-DNA position 1889, A replaced by C.
Protein change: p.His630Pro; replaces histidine 630 with proline.
Molecular consequence: missense variant.
Genome position (GRCh38, 1-based): chr5:80,761,671, A>C. VCF-style: chr5-80761671-A-C. GRCh37 (hg19) VCF-style: chr5-80057490-A-C.
Other names: c.1889A>C (NM_002439.4, NM_002439.3); short protein forms H630P.
Identifiers: ClinVar variation 2161987 (VCV002161987.6), dbSNP rs777767431, ClinGen allele CA3328072.

ClinVar aggregate classification (germline): Uncertain significance. Review status: criteria provided, multiple submitters, no conflicts (2 of 4 stars). 3 submissions from 3 submitters: Uncertain significance (3). Last evaluated 2025-05-09.

Conditions:
Familial adenomatous polyposis 4 (FAP4). Also called: MSH3-related attenuated familial adenomatous polyposis. Identifiers: Orphanet 480536, MedGen C4310719, MONDO:0044300, OMIM 617100.
Hereditary cancer-predisposing syndrome. Also called: Hereditary Cancer Syndrome; Neoplastic Syndromes, Hereditary; Tumor predisposition; Hereditary neoplastic syndrome. Identifiers: Orphanet 140162, MedGen C0027672, MeSH D009386, MONDO:0015356.

Allele frequency attached by ClinVar (database versions not stated): gnomAD exomes below 0.00001; ExAC 0.00001.
gnomAD v4.1: 1 of 1,614,126 alleles (0.000062%); highest among the groups gnomAD compares: Non-Finnish European, 0.000085%; no homozygotes.

Submissions (3):

Ambry Genetics
Classification: Uncertain significance for Hereditary cancer-predisposing syndrome. Last evaluated: 2025-05-09. Review status: criteria provided, single submitter. Criteria: Ambry Variant Classification Scheme 2023. Collection method: clinical testing. Allele origin: germline.
Comment: The p.H630P variant (also known as c.1889A>C), located in coding exon 13 of the MSH3 gene, results from an A to C substitution at nucleotide position 1889. The histidine at codon 630 is replaced by proline, an amino acid with similar properties. This amino acid position is conserved. In addition, this alteration is predicted to be deleterious by in silico analysis. Based on the available evidence, the clinical significance of this variant remains unclear.

Department of Pathology and Laboratory Medicine, Sinai Health System
Classification: Uncertain significance for Familial adenomatous polyposis 4. Last evaluated: 2023-07-13. Review status: criteria provided, single submitter. Criteria: ACMG Guidelines, 2015. Collection method: clinical testing. Allele origin: germline. Affected: yes.

Labcorp Genetics (formerly Invitae), Labcorp
Classification: Uncertain significance. Last evaluated: 2022-05-15. Review status: criteria provided, single submitter. Criteria: Invitae Variant Classification Sherloc (09022015). Collection method: clinical testing. Allele origin: germline.
Comment: This sequence change replaces histidine, which is basic and polar, with proline, which is neutral and non-polar, at codon 630 of the MSH3 protein (p.His630Pro). This variant is present in population databases (rs777767431, gnomAD 0.0009%). In summary, the available evidence is currently insufficient to determine the role of this variant in disease. Therefore, it has been classified as a Variant of Uncertain Significance. Algorithms developed to predict the effect of missense changes on protein structure and function are either unavailable or do not agree on the potential impact of this missense change (SIFT: "Deleterious"; PolyPhen-2: "Probably Damaging"; Align-GVGD: "Class C0"). This variant has not been reported in the literature in individuals affected with MSH3-related conditions.